The following is an entry in ClinVar:

NM_000053.4(ATP7B):c.2332C>G (p.Arg778Gly)

Gene: ATP7B (ATPase copper transporting beta; minus strand). Cytogenetic location: 13q14.3.
Variant type: single nucleotide variant.
Coding change: c.2332C>G on transcript NM_000053.4 (MANE Select); coding-DNA position 2332, C replaced by G.
Protein change: p.Arg778Gly; replaces arginine 778 with glycine.
Molecular consequence: missense variant. On other transcripts: intron variant (2).
Genome position (GRCh38, 1-based): chr13:51,958,334, G>C on the plus strand (C>G on the coding strand, the complement: ATP7B is on the minus strand). VCF-style: chr13-51958334-G-C. GRCh37 (hg19) VCF-style: chr13-52532470-G-C.
Other names: c.1999C>G, p.Arg667Gly (NM_001243182.2); c.2080C>G, p.Arg694Gly (NM_001330579.2); c.1870-727C>G (NM_001005918.3); c.2122-727C>G (NM_001330578.2); short protein forms R778G, R694G, R667G.
Identifiers: ClinVar variation 156283 (VCV000156283.66), dbSNP rs137853284, ClinGen allele CA270733.
Genomic context (GRCh38, chr13:51,958,334, plus strand): 5'-AGGAGCAGCTCTTTTCTGAACCTGAAGCTGCTGTTACCTTTGCCAAGTGTTCCAGCCACC[G>C]GCCCAGGGCAATGAACACAAAGAGCATGGGGGGCGTGTCGAAGAATGTCACAGGGCTCCT-3'
Protein context (NP_000044.2, residues 768-788): PMLFVFIALG[Arg778Gly]WLEHLAKSKT

ClinVar aggregate classification (germline): Pathogenic. Review status: criteria provided, multiple submitters, no conflicts (2 of 4 stars). 15 submissions from 15 submitters: Pathogenic (13). 2 of the submissions do not count toward it. Last evaluated 2025-10-03.

Conditions:
ATP7B-related disorder. Also called: ATP7B-related condition.
Wilson disease (WND). Also called: Wilson's disease. Identifiers: Orphanet 905, MedGen C0019202, MONDO:0010200, OMIM 277900. Disease mechanism: loss of function.

gnomAD v4.1: 19 of 1,614,180 alleles (0.0012%); highest among the groups gnomAD compares: Non-Finnish European, 0.0016%; no homozygotes.

Submissions 1 to 12 of 15:

Labcorp Genetics (formerly Invitae), Labcorp
Classification: Pathogenic for Wilson disease. Last evaluated: 2025-10-03. Review status: criteria provided, single submitter. Criteria: Invitae Variant Classification Sherloc (09022015). Collection method: clinical testing. Allele origin: germline.
Comment: This sequence change replaces arginine, which is basic and polar, with glycine, which is neutral and non-polar, at codon 778 of the ATP7B protein (p.Arg778Gly). This variant is present in population databases (rs137853284, gnomAD 0.002%). This missense change has been observed in individual(s) with Wilson disease (PMID: 20517649, 21682854, 23333878). ClinVar contains an entry for this variant (Variation ID: 156283). Invitae Evidence Modeling of protein sequence and biophysical properties (such as structural, functional, and spatial information, amino acid conservation, physicochemical variation, residue mobility, and thermodynamic stability) indicates that this missense variant is expected to disrupt ATP7B protein function with a positive predictive value of 80%. This variant disrupts the p.Arg778 amino acid residue in ATP7B. Other variant(s) that disrupt this residue have been determined to be pathogenic (PMID: 11243728, 11479773, 16998622, 17160357, 23518715). This suggests that this residue is clinically significant, and that variants that disrupt this residue are likely to be disease-causing. For these reasons, this variant has been classified as Pathogenic.

Color Diagnostics, LLC DBA Color Health
Classification: Pathogenic for Wilson disease. Last evaluated: 2025-09-12. Review status: criteria provided, single submitter. Criteria: ACMG Guidelines, 2015. Collection method: clinical testing. Allele origin: germline.
Comment: This missense variant replaces arginine with glycine at codon 778 of the ATP7B protein. Computational prediction suggests that this variant may have deleterious impact on protein structure and function. Although functional studies have not been reported for this variant, it alters a conserved arginine residue in the transmembrane M2 domain of the ATP7B protein (a.a. 764 - 784), a highly conserved region that is considered to be important for ATP7B protein function (PMID: 35245129ClinVar). This variant has been reported in many individuals affected with Wilson disease (PMID: 8533760, 9801873, 11216666, 12515040, 16207219, 16283883, 16998622, 17154398, 17272994, 18371106, 20517649, 20958917, 21406212, 21682854, 22093921, 22677543, 23333878, 23518715, 24517292, 26215059, 27935710, 30230192, 31708252, 33159804, 34400371). In a number of these individuals, this variant was reported in the compound heterozygous state or the homozygous state (PMID: 16283883, 17272994, 20517649, 22093921, 23518715, 24517292). Different missense variants occurring at the same codon, p.Arg778Leu, p.Arg778Trp, and p.Arg778Gln, are known to cause disease (ClinVar variation ID: 3852, 456553, 550914), indicating that arginine at this position is important for ATP7B protein function. This variant has been identified in 2/249436 chromosomes in the general population by the Genome Aggregation Database (gnomAD). Based on the available evidence, this variant is classified as Pathogenic.

All of Us Research Program, National Institutes of Health
Classification: Pathogenic for Wilson disease. Last evaluated: 2024-09-27. Review status: criteria provided, single submitter. Criteria: ACMG Guidelines, 2015. Collection method: clinical testing. Allele origin: germline. Inheritance: Autosomal recessive inheritance. Observed: 6 variant alleles, 6 heterozygotes.
Comment: This missense variant replaces arginine with glycine at codon 778 of the ATP7B protein. Computational prediction suggests that this variant may have deleterious impact on protein structure and function (internally defined REVEL score threshold >= 0.7, PMID: 27666373). Although functional studies have not been reported for this variant, it alters a conserved arginine residue in the transmembrane M2 domain of the ATP7B protein (a.a. 764 - 784), a highly conserved region that is considered to be important for ATP7B protein function (PMID: 35245129; ClinVar). This variant has been reported in many individuals affected with Wilson disease (PMID: 8533760, 9801873, 11216666, 12515040, 16207219, 16283883, 16998622, 17154398, 17272994, 18371106, 20517649, 20958917, 21406212, 21682854, 22093921, 22677543, 23333878, 23518715, 24517292, 26215059, 27935710, 30230192, 31708252, 33159804, 34400371). In a number of these individuals, this variant was reported in the compound heterozygous state or the homozygous state (PMID: 16283883, 17272994, 20517649, 22093921, 23518715, 24517292). Different missense variants occurring at the same codon, p.Arg778Leu, p.Arg778Trp, and p.Arg778Gln, are known to cause disease (ClinVar variation ID: 3852, 456553, 550914), indicating that arginine at this position is important for ATP7B protein function. This variant has been identified in 2/249436 chromosomes in the general population by the Genome Aggregation Database (gnomAD). Based on the available evidence, this variant is classified as Pathogenic.

This study involves interpretation of variants in research participants for the purpose of population health screening. Participant phenotype was not available at the time of variant classification. Additional details can be found in publication PMID: 35346344, PMCID: PMC8962531

Natera, Inc.
Classification: Pathogenic for Wilson disease. Last evaluated: 2024-06-26. Review status: criteria provided, single submitter. Criteria: Natera Variant Classification Schema (03/2026). Collection method: clinical testing. Allele origin: germline.
Comment: The c.2332C>G variant in ATP7B is a missense variant predicted to cause substitution of arginine to glycine at amino acid 778. This variant is rare in the general population with a frequency below the threshold expected for the associated phenotype(s). This variant has been observed in one or more individuals affected with the associated recessive disease, as either homozygous or compound heterozygous with a second variant (PMID: 25704483, 16283883, 32043565). Given the available evidence, this variant is classified as Pathogenic.

GeneDx
Classification: Pathogenic. Last evaluated: 2024-04-09. Review status: criteria provided, single submitter. Criteria: GeneDx Variant Classification Process June 2021. Collection method: clinical testing. Allele origin: germline. Affected: yes.
Comment: Not observed at significant frequency in large population cohorts (gnomAD); In silico analysis supports that this missense variant has a deleterious effect on protein structure/function; This variant is associated with the following publications: (PMID: 17272994, 8533760, 34400371, 24253677, 22692182, 9801873, 11216666, 16207219, 31708252, 32043565, 34426522, 33098801, 35872528, 33159804, 16283883)

Baylor Genetics
Classification: Pathogenic for Wilson disease. Last evaluated: 2024-02-12. Review status: criteria provided, single submitter. Criteria: ACMG Guidelines, 2015. Collection method: clinical testing. Allele origin: unknown.

Fulgent Genetics
Classification: Pathogenic for Wilson disease. Last evaluated: 2024-02-09. Review status: criteria provided, single submitter. Criteria: ACMG Guidelines, 2015. Collection method: clinical testing. Allele origin: germline.

CeGaT Center for Human Genetics Tuebingen
Classification: Pathogenic. Last evaluated: 2024-02-01. Review status: criteria provided, single submitter. Criteria: CeGaT Center For Human Genetics Tuebingen Variant Classification Criteria Version 2. Collection method: clinical testing. Allele origin: germline. Affected: yes. Observed: 3 variant alleles.
Comment: ATP7B: PM3:Very Strong, PM1, PM2, PM5, PP3, PP4

Genome-Nilou Lab
Classification: Pathogenic for Wilson disease. Last evaluated: 2021-08-10. Review status: criteria provided, single submitter. Criteria: ACMG Guidelines, 2015. Collection method: clinical testing. Allele origin: germline. Affected: no.

Laboratory for Molecular Medicine, Mass General Brigham Personalized Medicine
Classification: Pathogenic for Wilson disease. Last evaluated: 2020-06-11. Review status: criteria provided, single submitter. Criteria: ACMG Guidelines, 2015. Collection method: clinical testing. Allele origin: germline.
Comment: The p.Arg778Gly variant in ATP7B has been reported in several individuals with Wilson disease, including at least 4 homozygous and 3 compound heterozygous individuals (AbdelGhaffar 2011, Bruha 2011, Coffey 2013, Figus 1995, Gromadzka 2005, Petrasek 2007, Simsek Papur 2013, Vrabelova 2005, Weiss 2010). It has also been identified in 0.001% (2/113168) of European chromosomes by gnomAD, which is low enough to be consistent with a recessive allele frequency. Computational prediction tools and conservation analyses suggest that this variant may impact the protein, though this information is not predictive enough to determine pathogenicity. In addition, a pathogenic variant at the same position, p.Arg778Trp, has also been reported in many individuals with Wilson disease. In summary, this variant meets criteria to be classified as pathogenic for autosomal recessive Wilson disease. ACMG/AMP Criteria applied: PM3_Strong, PM2, PM5, PP3, PP4.

Blueprint Genetics
Classification: Pathogenic for ATP7B-related disorders. Last evaluated: 2020-01-29. Review status: criteria provided, single submitter. Criteria: ACMG Guidelines, 2015. Collection method: clinical testing. Allele origin: germline. Affected: yes. Observed: 2 variant alleles.

Institute of Human Genetics Munich, TUM University Hospital
Classification: Pathogenic for Wilson disease. Last evaluated: 2019-01-23. Review status: criteria provided, single submitter. Criteria: Classification criteria August 2017. Collection method: clinical testing. Allele origin: germline. Inheritance: Autosomal recessive inheritance. Affected: yes. Observed: 1 compound heterozygote.